The following is an entry in ClinVar:

NM_000512.5(GALNS):c.902G>A (p.Gly301Asp)

Gene: GALNS (galactosamine (N-acetyl)-6-sulfatase; minus strand). Cytogenetic location: 16q24.3.
Variant type: single nucleotide variant.
Coding change: c.902G>A on transcript NM_000512.5 (MANE Select); coding-DNA position 902, G replaced by A.
Protein change: p.Gly301Asp; replaces glycine 301 with aspartic acid.
Molecular consequence: missense variant.
Genome position (GRCh38, 1-based): chr16:88,832,098, C>T on the plus strand (G>A on the coding strand, the complement: GALNS is on the minus strand). VCF-style: chr16-88832098-C-T. GRCh37 (hg19) VCF-style: chr16-88898506-C-T.
Other names: p.Gly301Asp; c.347G>A, p.Gly116Asp (NM_001323543.2); c.920G>A, p.Gly307Asp (NM_001323544.2); short protein forms G301D, G116D, G307D.
Identifiers: ClinVar variation 1516151 (VCV001516151.8), dbSNP rs776715466, ClinGen allele CA286459557.

ClinVar aggregate classification (germline): Likely pathogenic. Review status: criteria provided, multiple submitters, no conflicts (2 of 4 stars). 2 submissions from 2 submitters: Likely pathogenic (2). Last evaluated 2025-06-20.

Conditions:
Mucopolysaccharidosis, MPS-IV-A (MPS4A). Also called: mucopolysaccharidosis type 4A; Morquio syndrome A, mild; MORQUIO SYNDROME A; GALACTOSAMINE-6-SULFATASE DEFICIENCY; GALNS DEFICIENCY; MORQUIO A DISEASE. Identifiers: Orphanet 309297, Orphanet 582, MedGen C0086651, MONDO:0009659, OMIM 253000.

Allele frequency attached by ClinVar (database versions not stated): gnomAD exomes below 0.00001.
gnomAD v4.1: 1 of 1,613,504 alleles (0.000062%); highest among the groups gnomAD compares: South Asian, 0.0011%; no homozygotes.

Submissions (2):

Foundation for Research in Genetics and Endocrinology, FRIGE's Institute of Human Genetics
Classification: Likely pathogenic for Mucopolysaccharidosis, MPS-IV-A. Last evaluated: 2025-06-20. Review status: criteria provided, single submitter. Criteria: ACMG Guidelines, 2015. Collection method: clinical testing. Allele origin: germline. Inheritance: Autosomal recessive inheritance. Affected: yes. Observed: 1 homozygote.
Comment: A homozygous variant in exon 9 of the GALNS gene that results in the amino acid substitution of Asparagine for Glycine at codon 301 was detected. The observed variant c.902G>A (p.Gly301Asp) has not been reported in the 1000 genomes and gnomAD databases. The in silico prediction of the variant is deleterious by MutationTaster and DANN. In summary, the variant meets our criteria to be classified as Likely pathogenic.

Labcorp Genetics (formerly Invitae), Labcorp
Classification: Likely pathogenic for Mucopolysaccharidosis, MPS-IV-A. Last evaluated: 2022-01-14. Review status: criteria provided, single submitter. Criteria: Invitae Variant Classification Sherloc (09022015). Collection method: clinical testing. Allele origin: germline.
Comment: Algorithms developed to predict the effect of sequence changes on RNA splicing suggest that this variant may create or strengthen a splice site. Advanced modeling of protein sequence and biophysical properties (such as structural, functional, and spatial information, amino acid conservation, physicochemical variation, residue mobility, and thermodynamic stability) performed at Invitae indicates that this missense variant is expected to disrupt GALNS protein function. This variant has not been reported in the literature in individuals affected with GALNS-related conditions. This variant is not present in population databases (gnomAD no frequency). This sequence change replaces glycine, which is neutral and non-polar, with aspartic acid, which is acidic and polar, at codon 301 of the GALNS protein (p.Gly301Asp). In summary, the currently available evidence indicates that the variant is pathogenic, but additional data are needed to prove that conclusively. Therefore, this variant has been classified as Likely Pathogenic. This variant disrupts the p.Gly301 amino acid residue in GALNS. Other variant(s) that disrupt this residue have been determined to be pathogenic (PMID: 9298823, 9385378, 10814710, 15235041, 17876718, 23876334). This suggests that this residue is clinically significant, and that variants that disrupt this residue are likely to be disease-causing.

Literature cited by the submitters: PubMed 9298823 (cited by Labcorp Genetics (formerly Invitae), Labcorp); PubMed 9385378 (cited by Labcorp Genetics (formerly Invitae), Labcorp); PubMed 10814710 (cited by Labcorp Genetics (formerly Invitae), Labcorp); PubMed 15235041 (cited by Labcorp Genetics (formerly Invitae), Labcorp); PubMed 17876718 (cited by Labcorp Genetics (formerly Invitae), Labcorp); PubMed 23876334 (cited by Labcorp Genetics (formerly Invitae), Labcorp).